The following is an entry in ClinVar:

NM_017649.5(CNNM2):c.1419_1421del (p.Ile473del)

Gene: CNNM2 (cyclin and CBS domain divalent metal cation transport mediator 2; plus strand). Cytogenetic location: 10q24.32.
Variant type: Deletion.
Coding change: c.1419_1421del on transcript NM_017649.5 (MANE Select); coding-DNA positions 1419 to 1421, 3 bases deleted (CAT; older notation c.1419_1421delCAT).
Protein change: p.Ile473del; deletes isoleucine 473.
Molecular consequence: inframe deletion.
Genome position (GRCh38, 1-based): chr10:102,919,899-102,919,901, CAT deleted; deleting any 3 consecutive bases within chr10:102,919,897-102,919,901 gives the same sequence; the c. name uses the placement nearest the transcript's 3' end. VCF-style (leftmost placement, unchanged base first): chr10-102919896-GATC-G. GRCh37 (hg19) VCF-style: chr10-104679653-GATC-G.
Other names: c.1419_1421del, p.Ile473del (NM_199076.3, NM_199077.3); short protein forms I473del.
Identifiers: ClinVar variation 1303871 (VCV001303871.2), dbSNP rs2134150833, ClinGen allele CA2573053234.

ClinVar aggregate classification (germline): Uncertain significance (1 of 4 stars; one submission).

Submission:

GeneDx
Classification: Uncertain significance. Last evaluated: 2019-12-03. Review status: criteria provided, single submitter. Criteria: GeneDx Variant Classification Process June 2021. Collection method: clinical testing. Allele origin: germline. Affected: yes.
Comment: Not observed in large population cohorts (Lek et al., 2016); In-frame deletion of 1 amino acid in a non-repeat region; In silico analysis, which includes protein predictors and evolutionary conservation, supports a deleterious effect; Has not been previously published as pathogenic or benign to our knowledge